The following is an entry in ClinVar:

ClinVar aggregate classification (germline): Uncertain significance. Review status: criteria provided, multiple submitters, no conflicts (2 of 4 stars). 3 submissions from 3 submitters: Uncertain significance (3). Last evaluated 2025-11-25.

Conditions:
Inborn genetic diseases. Identifiers: MedGen C0950123, MeSH D030342.

Allele frequency attached by ClinVar (database versions not stated): gnomAD exomes 0.00002; gnomAD 0.00007; TOPMed 0.00007; ESP Exome Variant Server 0.00008; ExAC 0.00013; 1000 Genomes Project 0.00020; 1000 Genomes Project 30x 0.00031.
gnomAD v4.1: 42 of 1,610,972 alleles (0.0026%); highest among the groups gnomAD compares: East Asian, 0.018%; no homozygotes.

Submissions (3):

Ambry Genetics
Classification: Uncertain significance for Inborn genetic diseases. Last evaluated: 2025-11-25. Review status: criteria provided, single submitter. Criteria: Ambry Variant Classification Scheme 2023. Collection method: clinical testing. Allele origin: germline.

Blueprint Genetics
Classification: Uncertain significance. Last evaluated: 2024-05-28. Review status: criteria provided, single submitter. Criteria: ACMG Guidelines, 2015. Collection method: clinical testing. Allele origin: germline.

Labcorp Genetics (formerly Invitae), Labcorp
Classification: Uncertain significance. Last evaluated: 2021-08-29. Review status: criteria provided, single submitter. Criteria: Invitae Variant Classification Sherloc (09022015). Collection method: clinical testing. Allele origin: germline.
Comment: This sequence change replaces arginine with histidine at codon 3310 of the CDH23 protein (p.Arg3310His). The arginine residue is highly conserved and there is a small physicochemical difference between arginine and histidine. This variant is present in population databases (rs377304591, ExAC 0.05%). This variant has not been reported in the literature in individuals affected with CDH23-related conditions. Algorithms developed to predict the effect of missense changes on protein structure and function are either unavailable or do not agree on the potential impact of this missense change (SIFT: "Deleterious"; PolyPhen-2: "Not Available"; Align-GVGD: "Class C0"). In summary, the available evidence is currently insufficient to determine the role of this variant in disease. Therefore, it has been classified as a Variant of Uncertain Significance.

NM_022124.6(CDH23):c.9929G>A (p.Arg3310His)

Gene: CDH23 (cadherin related 23; plus strand). Cytogenetic location: 10q22.1.
Variant type: single nucleotide variant.
Coding change: c.9929G>A on transcript NM_022124.6 (MANE Select); coding-DNA position 9929, G replaced by A.
Protein change: p.Arg3310His; replaces arginine 3310 with histidine.
Molecular consequence: missense variant.
Genome position (GRCh38, 1-based): chr10:71,815,142, G>A. VCF-style: chr10-71815142-G-A. GRCh37 (hg19) VCF-style: chr10-73574899-G-A.
Other names: c.3209G>A, p.Arg1070His (NM_001171933.1); c.3104G>A, p.Arg1035His (NM_001171934.1); c.620G>A, p.Arg207His (NM_001171935.1); c.515G>A, p.Arg172His (NM_001171936.1); c.9929G>A (NM_022124.5); short protein forms R1035H, R207H, R3310H, R1070H, R172H.
Identifiers: ClinVar variation 2197912 (VCV002197912.5), dbSNP rs377304591, ClinGen allele CA5547216.